The following is an entry in ClinVar:

ClinVar aggregate classification (germline): Benign/Likely benign. Review status: criteria provided, multiple submitters, no conflicts (2 of 4 stars). 7 submissions from 6 submitters: Benign (4); Likely benign (3). Last evaluated 2025-12-03.

Conditions:
Autosomal dominant familial hematuria-retinal arteriolar tortuosity-contractures syndrome. Also called: Hereditary Angiopathy with Nephropathy, Aneurysms, and Muscle Cramps (HANAC) Syndrome; Angiopathy, hereditary, with nephropathy, aneurysms, and muscle cramps. Identifiers: Orphanet 73229, MedGen C2673195, MONDO:0012726, OMIM 611773.
Hemorrhage, intracerebral, susceptibility to (ICH). Also called: Stroke, hemorrhagic, susceptibility to. Identifiers: MedGen C3281105, MONDO:0100533, OMIM 614519.
Retinal arterial tortuosity. Also called: Retinal arteries, tortuosity of; RETINAL HEMORRHAGE WITH VASCULAR TORTUOSITY. Identifiers: Orphanet 75326, MedGen C0423401, MONDO:0008373, OMIM 180000, HP:0000631.
Brain small vessel disease 1 with or without ocular anomalies (BSVD1). Also called: BRAIN SMALL VESSEL DISEASE WITH HEMORRHAGE; PORENCEPHALY, TYPE 1, AUTOSOMAL DOMINANT; GOULD SYNDROME 1; Brain small vessel disease with or without ocular anomalies. Identifiers: Orphanet 2940, Orphanet 36383, Orphanet 99810, MedGen C4755307, MONDO:0008289, OMIM 175780.
Microangiopathy and leukoencephalopathy, pontine, autosomal dominant. Also called: Pontine autosomal dominant microangiopathy with leukoencephalopathy; DEMENTIA, HEREDITARY MULTI-INFARCT, SWEDISH TYPE. Identifiers: Orphanet 477749, MedGen C5231411, MONDO:0032814, OMIM 618564.
COL4A1-related disorder. Also called: COL4A1-related condition; COL4A1-related disorders. Identifiers: MedGen CN376119, MONDO:0800461.

Allele frequency attached by ClinVar (database versions not stated): TOPMed 0.00007; gnomAD 0.00009 and 0.00016; gnomAD exomes 0.00020 and 0.00025; ExAC 0.00026; 1000 Genomes Project 30x 0.00094; 1000 Genomes Project 0.00120.
gnomAD v4.1: 384 of 1,614,086 alleles (0.024%); highest among the groups gnomAD compares: East Asian, 0.81%; 7 homozygotes.

Submissions (7):

Labcorp Genetics (formerly Invitae), Labcorp
Classification: Benign. Last evaluated: 2025-12-03. Review status: criteria provided, single submitter. Criteria: Invitae Variant Classification Sherloc (09022015). Collection method: clinical testing. Allele origin: germline.

PreventionGenetics, part of Exact Sciences
Classification: Likely benign for COL4A1-related condition. Last evaluated: 2025-01-31. Review status: criteria provided, single submitter. Criteria: ACMG Guidelines, 2015. Collection method: clinical testing. Allele origin: germline.
Comment: This variant is classified as likely benign based on ACMG/AMP sequence variant interpretation guidelines (Richards et al. 2015 PMID: 25741868, with internal and published modifications).

Blueprint Genetics
Classification: Likely benign. Last evaluated: 2023-08-23. Review status: criteria provided, single submitter. Criteria: ACMG Guidelines, 2015. Collection method: clinical testing. Allele origin: germline.

CeGaT Center for Human Genetics Tuebingen
Classification: Benign. Last evaluated: 2022-07-01. Review status: criteria provided, single submitter. Criteria: CeGaT Center For Human Genetics Tuebingen Variant Classification Criteria Version 2. Collection method: clinical testing. Allele origin: germline. Affected: yes. Observed: 1 variant allele.
Comment: COL4A1: BS1, BS2

Fulgent Genetics
Classification: Likely benign for Brain small vessel disease 1 with or without ocular anomalies; Retinal arterial tortuosity; Autosomal dominant familial hematuria-retinal arteriolar tortuosity-contractures syndrome; Hemorrhage, intracerebral, susceptibility to; Microangiopathy and leukoencephalopathy, pontine, autosomal dominant. Last evaluated: 2022-03-16. Review status: criteria provided, single submitter. Criteria: ACMG Guidelines, 2015. Collection method: clinical testing. Allele origin: unknown.

Illumina Laboratory Services, Illumina
Classification: Benign for Brain small vessel disease 1 with or without ocular anomalies. Last evaluated: 2018-01-12. Review status: criteria provided, single submitter. Criteria: ICSL Variant Classification Criteria 13 December 2019. Collection method: clinical testing. Allele origin: germline.
Comment: This variant was observed in the ICSL laboratory as part of a predisposition screen in an ostensibly healthy population. It had not been previously curated by ICSL or reported in the Human Gene Mutation Database (HGMD: prior to June 1st, 2018), and was therefore a candidate for classification through an automated scoring system. Utilizing variant allele frequency, disease prevalence and penetrance estimates, and inheritance mode, an automated score was calculated to assess if this variant is too frequent to cause the disease. Based on the score and internal cut-off values, a variant classified as benign is not then subjected to further curation. The score for this variant resulted in a classification of benign for this disease.

Illumina Laboratory Services, Illumina
Classification: Benign for Autosomal dominant familial hematuria-retinal arteriolar tortuosity-contractures syndrome. Last evaluated: 2018-01-12. Review status: criteria provided, single submitter. Criteria: ICSL Variant Classification Criteria 13 December 2019. Collection method: clinical testing. Allele origin: germline.
Comment: the same text as in the submission from Illumina Laboratory Services, Illumina above.

NM_001845.6(COL4A1):c.405C>T (p.Leu135=)

Gene: COL4A1 (collagen type IV alpha 1 chain; minus strand). Cytogenetic location: 13q34.
Variant type: single nucleotide variant.
Coding change: c.405C>T on transcript NM_001845.6 (MANE Select); coding-DNA position 405, C replaced by T.
Protein change: p.Leu135=; no amino-acid change (leucine 135 retained).
Molecular consequence: synonymous variant.
Genome position (GRCh38, 1-based): chr13:110,211,905, G>A on the plus strand (C>T on the coding strand, the complement: COL4A1 is on the minus strand). VCF-style: chr13-110211905-G-A. GRCh37 (hg19) VCF-style: chr13-110864252-G-A.
Other names: c.405C>T, p.Leu135= (NM_001303110.2).
Identifiers: ClinVar variation 311078 (VCV000311078.43), dbSNP rs138888319, ClinGen allele CA7048524.
Genomic context (GRCh38, chr13:110,211,905, plus strand): 5'-CTGCCCTAAATAACCTCTACTCACGGGATTTCCAGCGAAACCAGGCAAGCCAGGAGGCCC[G>A]AGCGGCCCTCTCTCCCCCTGGGGAGACAGCAGAGCATCATTCATACGCACTGTGTGTGGC-3'
Protein context (NP_001836.3, residues 125-145): CNGTKGERGP[Leu135=]GPPGLPGFAG